The following is an entry in ClinVar:

NM_014141.6(CNTNAP2):c.1220A>G (p.Asn407Ser)

Gene: CNTNAP2 (contactin associated protein 2; plus strand). Cytogenetic location: 7q35.
Variant type: single nucleotide variant.
Coding change: c.1220A>G on transcript NM_014141.6 (MANE Select); coding-DNA position 1220, A replaced by G.
Protein change: p.Asn407Ser; replaces asparagine 407 with serine.
Molecular consequence: missense variant.
Genome position (GRCh38, 1-based): chr7:147,132,381, A>G. VCF-style: chr7-147132381-A-G. GRCh37 (hg19) VCF-style: chr7-146829473-A-G.
Other names: p.N407S:AAT>AGT; short protein forms N407S.
Identifiers: ClinVar variation 95555 (VCV000095555.50), dbSNP rs143877693, ClinGen allele CA285679.
Genomic context (GRCh38, chr7:147,132,381, plus strand): 5'-CCGGACGGCTTAACCAGGACCTGTTCTCAGTCAGTTTCCAGTTTAGGACATGGAACCCCA[A>G]TGGTCTCCTGGTCTTCAGTCACTTTGCGGATAATTTGGGCAATGTGGAGATTGACCTCAC-3'
Protein context (NP_054860.1, residues 397-417): VSFQFRTWNP[Asn407Ser]GLLVFSHFAD

ClinVar aggregate classification (germline): Conflicting classifications of pathogenicity. Review status: criteria provided, conflicting classifications (1 of 4 stars). 13 submissions from 13 submitters: Uncertain significance (1); Benign (2); Likely benign (6). 4 of the submissions do not count toward it. Last evaluated 2026-01-30.

Conditions:
CNTNAP2-related disorder. Also called: CNTNAP2-related condition.
Inborn genetic diseases. Identifiers: MedGen C0950123, MeSH D030342.
Cortical dysplasia-focal epilepsy syndrome (PTHSL1). Also called: Pitt-Hopkins-like syndrome 1. Identifiers: Orphanet 163681, Orphanet 221150, MedGen C2750246, MONDO:0012400, OMIM 610042.

Allele frequency attached by ClinVar (database versions not stated): gnomAD 0.00229 and 0.00253; ESP Exome Variant Server 0.00246; 1000 Genomes Project 30x 0.00250; gnomAD exomes 0.00094; 1000 Genomes Project 0.00140; ExAC 0.00090; TOPMed 0.00252.
gnomAD v4.1: 1,289 of 1,613,692 alleles (0.08%); highest among the groups gnomAD compares: African/African-American, 0.68%; 5 homozygotes.

Submissions (13):

Labcorp Genetics (formerly Invitae), Labcorp
Classification: Benign for Cortical dysplasia-focal epilepsy syndrome. Last evaluated: 2026-01-30. Review status: criteria provided, single submitter. Criteria: Invitae Variant Classification Sherloc (09022015). Collection method: clinical testing. Allele origin: germline.

ARUP Laboratories, Molecular Genetics and Genomics, ARUP Laboratories
Classification: Likely benign. Last evaluated: 2025-03-06. Review status: criteria provided, single submitter. Criteria: ARUP Molecular Germline Variant Investigation Process 2024. Collection method: clinical testing. Allele origin: germline.

Blueprint Genetics
Classification: Likely benign. Last evaluated: 2024-11-11. Review status: criteria provided, single submitter. Criteria: ACMG Guidelines, 2015. Collection method: clinical testing. Allele origin: germline.

CeGaT Center for Human Genetics Tuebingen
Classification: Likely benign. Last evaluated: 2024-11-01. Review status: criteria provided, single submitter. Criteria: CeGaT Center For Human Genetics Tuebingen Variant Classification Criteria Version 2. Collection method: clinical testing. Allele origin: germline. Affected: yes. Observed: 1 variant allele.
Comment: CNTNAP2: BP4, BS2

GeneDx
Classification: Likely benign. Last evaluated: 2022-05-13. Review status: criteria provided, single submitter. Criteria: GeneDx Variant Classification Process June 2021. Collection method: clinical testing. Allele origin: germline. Affected: yes.
Comment: See Variant Classification Assertion Criteria.

Ambry Genetics
Classification: Uncertain significance for Inborn genetic diseases. Last evaluated: 2020-10-13. Review status: criteria provided, single submitter. Criteria: Ambry Variant Classification Scheme 2023. Collection method: clinical testing. Allele origin: germline.
Comment: The p.N407S variant (also known as c.1220A>G), located in coding exon 8 of the CNTNAP2 gene, results from an A to G substitution at nucleotide position 1220. The asparagine at codon 407 is replaced by serine, an amino acid with highly similar properties. This alteration has been detected in two individuals with autism spectrum disorder and two individuals with persistent developmental stuttering (Han TU et al. Neurobiol. Dis., 2014 Sep;69:23-31; Bakkaloglu B et al. Am. J. Hum. Genet., 2008 Jan;82:165-73). In addition, one functional study showed that this alteration maps to the L2 domain and is expected to have a mild effect on CNTNAP2 protein structure (Lu Z et al. J. Biol. Chem., 2016 Sep). This amino acid position is not well conserved in available vertebrate species, and serine is the reference amino acid in other vertebrate species. In addition, this alteration is predicted to be tolerated by in silico analysis. Based on available evidence to date, the clinical significance of this alteration remains unclear.

Illumina Laboratory Services, Illumina
Classification: Likely benign for Cortical dysplasia-focal epilepsy syndrome. Last evaluated: 2017-04-27. Review status: criteria provided, single submitter. Criteria: ICSL Variant Classification Criteria 13 December 2019. Collection method: clinical testing. Allele origin: germline.
Comment: This variant was observed as part of a predisposition screen in an ostensibly healthy population. A literature search was performed for the gene, cDNA change, and amino acid change (where applicable). No publications were found based on this search. Allele frequency data from public databases allowed determination this variant is unlikely to cause disease. Therefore, this variant is classified as likely benign.

Genetic Services Laboratory, University of Chicago
Classification: Likely benign. Last evaluated: 2016-07-05. Review status: criteria provided, single submitter. Criteria: ACMG Guidelines, 2015. Collection method: clinical testing. Allele origin: germline. Affected: no.

Eurofins Ntd Llc (ga)
Classification: Benign. Last evaluated: 2013-10-13. Review status: criteria provided, single submitter. Criteria: EGL Classification Definitions 2015. Collection method: clinical testing. Allele origin: germline. Observed: 1 variant allele, 1 heterozygote.

PreventionGenetics, part of Exact Sciences
Classification: Likely benign for CNTNAP2-related condition. Last evaluated: 2019-10-14. Review status: no assertion criteria provided. Collection method: clinical testing. Allele origin: germline. Not counted in ClinVar's aggregate classification.
Comment: This variant is classified as likely benign based on ACMG/AMP sequence variant interpretation guidelines (Richards et al. 2015 PMID: 25741868, with internal and published modifications).

Clinical Genetics DNA and cytogenetics Diagnostics Lab, Erasmus MC, Erasmus Medical Center
Classification: Likely benign. Review status: no assertion criteria provided. Collection method: clinical testing. Allele origin: germline. Affected: yes. Study: VKGL Data-share Consensus. Not counted in ClinVar's aggregate classification.

Diagnostic Laboratory, Department of Genetics, University Medical Center Groningen
Classification: Likely benign. Review status: no assertion criteria provided. Collection method: clinical testing. Allele origin: germline. Affected: yes. Study: VKGL Data-share Consensus. Not counted in ClinVar's aggregate classification.

Genome Diagnostics Laboratory, University Medical Center Utrecht
Classification: Likely benign. Review status: no assertion criteria provided. Collection method: clinical testing. Allele origin: germline. Affected: yes. Study: VKGL Data-share Consensus. Not counted in ClinVar's aggregate classification.

Literature cited by the submitters: PubMed 18179895 (cited by Ambry Genetics); PubMed 23714751 (cited by Ambry Genetics); PubMed 24807205 (cited by Ambry Genetics); PubMed 27621318 (cited by Ambry Genetics); PubMed 29788201 (cited by Ambry Genetics).